The following is an entry in ClinVar:

NM_018975.4(TERF2IP):c.1137G>T (p.Glu379Asp)

Gene: TERF2IP (TERF2 interacting protein; plus strand). Cytogenetic location: 16q23.1.
Variant type: single nucleotide variant.
Coding change: c.1137G>T on transcript NM_018975.4 (MANE Select); coding-DNA position 1137, G replaced by T.
Protein change: p.Glu379Asp; replaces glutamic acid 379 with aspartic acid.
Molecular consequence: missense variant. On other transcripts: non-coding transcript variant (1).
Genome position (GRCh38, 1-based): chr16:75,656,548, G>T. VCF-style: chr16-75656548-G-T. GRCh37 (hg19) VCF-style: chr16-75690446-G-T.
Other names: short protein forms E379D.
Identifiers: ClinVar variation 3455115 (VCV003455115.3).
Genomic context (GRCh38, chr16:75,656,548, plus strand): 5'-TCCCATTTGGTCCCGACAAGATGACATAGATTTGCAAAAAGATGATGAGGATACCAGAGA[G>T]GCATTGGTCAAAAAATTTGGTGCTCAGAATGTAGCTCGGAGGATTGAATTTCGAAAGAAA-3'
Protein context (NP_061848.2, residues 369-389): DLQKDDEDTR[Glu379Asp]ALVKKFGAQN

ClinVar aggregate classification (germline): Conflicting classifications of pathogenicity. Review status: criteria provided, conflicting classifications (1 of 4 stars). 2 submissions from 2 submitters: Uncertain significance (1); Likely benign (1). Last evaluated 2024-09-22.

Submissions (2):

Ambry Genetics
Classification: Likely benign. Last evaluated: 2024-09-22. Review status: criteria provided, single submitter. Criteria: Ambry Variant Classification Scheme 2023. Collection method: clinical testing. Allele origin: germline.

Labcorp Genetics (formerly Invitae), Labcorp
Classification: Uncertain significance. Last evaluated: 2024-06-30. Review status: criteria provided, single submitter. Criteria: Invitae Variant Classification Sherloc (09022015). Collection method: clinical testing. Allele origin: germline.
Comment: This sequence change replaces glutamic acid, which is acidic and polar, with aspartic acid, which is acidic and polar, at codon 379 of the TERF2IP protein (p.Glu379Asp). This variant is not present in population databases (gnomAD no frequency). This variant has not been reported in the literature in individuals affected with TERF2IP-related conditions. Algorithms developed to predict the effect of missense changes on protein structure and function output the following: SIFT: "Not Available"; PolyPhen-2: "Benign"; Align-GVGD: "Not Available". The aspartic acid amino acid residue is found in multiple mammalian species, which suggests that this missense change does not adversely affect protein function. In summary, the available evidence is currently insufficient to determine the role of this variant in disease. Therefore, it has been classified as a Variant of Uncertain Significance.